The following is an entry in ClinVar:

NM_004629.2(FANCG):c.335C>T (p.Pro112Leu)

Gene: FANCG (FA complementation group G; minus strand). Cytogenetic location: 9p13.3.
Variant type: single nucleotide variant.
Coding change: c.335C>T on transcript NM_004629.2 (MANE Select); coding-DNA position 335, C replaced by T.
Protein change: p.Pro112Leu; replaces proline 112 with leucine.
Molecular consequence: missense variant.
Genome position (GRCh38, 1-based): chr9:35,078,316, G>A on the plus strand (C>T on the coding strand, the complement: FANCG is on the minus strand). VCF-style: chr9-35078316-G-A. GRCh37 (hg19) VCF-style: chr9-35078313-G-A.
Other names: short protein forms P112L.
Identifiers: ClinVar variation 4022523 (VCV004022523.1).

ClinVar aggregate classification (germline): Uncertain significance (1 of 4 stars; one submission).

Conditions:
Inborn genetic diseases. Identifiers: MedGen C0950123, MeSH D030342.

Submission:

Ambry Genetics
Classification: Uncertain significance for Inborn genetic diseases. Last evaluated: 2025-05-17. Review status: criteria provided, single submitter. Criteria: Ambry Variant Classification Scheme 2023. Collection method: clinical testing. Allele origin: germline.
Comment: The p.P112L variant (also known as c.335C>T), located in coding exon 4 of the FANCG gene, results from a C to T substitution at nucleotide position 335. The proline at codon 112 is replaced by leucine, an amino acid with similar properties. This amino acid position is conserved. In addition, this alteration is predicted to be tolerated by in silico analysis. Based on the available evidence, the clinical significance of this variant remains unclear.